The following is an entry in ClinVar:

NM_000250.2(MPO):c.518A>G (p.Tyr173Cys)

Gene: MPO (myeloperoxidase; minus strand). Cytogenetic location: 17q22.
Variant type: single nucleotide variant.
Coding change: c.518A>G on transcript NM_000250.2 (MANE Select); coding-DNA position 518, A replaced by G.
Protein change: p.Tyr173Cys; replaces tyrosine 173 with cysteine.
Molecular consequence: missense variant.
Genome position (GRCh38, 1-based): chr17:58,279,553, T>C on the plus strand (A>G on the coding strand, the complement: MPO is on the minus strand). VCF-style: chr17-58279553-T-C. GRCh37 (hg19) VCF-style: chr17-56356914-T-C.
Other names: c.518A>G, p.Tyr173Cys (LRG_84t1); c.518A>G (NM_000250.1); short protein forms Y173C.
Identifiers: ClinVar variation 3627 (VCV000003627.10), dbSNP rs78950939, ClinGen allele CA116383.
Genomic context (GRCh38, chr17:58,279,553, plus strand): 5'-GTTCCTGCAGCCACCCCCAGCCAGCCGCACCTGTTGTTGCACATCCCGGTGATGGTGCGG[T>C]ATTTGTCCTGCTCCGGGCAAGTCACCCCCACGTCCTGGTAGGCGCAGCCGCTTGACTTGG-3'
Protein context (NP_000241.1, residues 163-183): VGVTCPEQDK[Tyr173Cys]RTITGMCNNR

ClinVar aggregate classification (germline): Conflicting classifications of pathogenicity. Review status: criteria provided, conflicting classifications (1 of 4 stars). 7 submissions from 7 submitters: Likely pathogenic (1); Uncertain significance (3). 3 of the submissions do not count toward it. Last evaluated 2025-07-17.

Conditions:
Alzheimer disease type 1 (AD1). Also called: ALZHEIMER DISEASE, FAMILIAL, 1; ALZHEIMER DISEASE, FAMILIAL, 1, AUTOSOMAL RECESSIVE. Identifiers: MedGen C1863052, MONDO:0007088, OMIM 104300.
Myeloperoxidase deficiency (MPOD). Also called: MPO DEFICIENCY; Myeloperoxidase deficiency syndrome. Identifiers: Orphanet 2587, MedGen C0398595, MONDO:0009694, OMIM 254600.

Allele frequency attached by ClinVar (database versions not stated): ExAC 0.00029; 1000 Genomes Project 0.00040; gnomAD exomes 0.00046 and 0.00090; 1000 Genomes Project 30x 0.00047; TOPMed 0.00048; gnomAD 0.00051.

Submissions (7):

GeneDx
Classification: Uncertain significance. Last evaluated: 2025-07-17. Review status: criteria provided, single submitter. Criteria: GeneDx Variant Classification Process June 2021. Collection method: clinical testing. Allele origin: germline.
Comment: Reported as a heterozygous germline variant in several individuals with myeloid neoplasms (PMID: 35761024); Published functional studies demonstrate a damaging effect: lack of mature MPO, retention in the endoplasmic reticulum, and significantly reduced MPO activity (PMID: 9637725); In silico analysis supports that this missense variant has a deleterious effect on protein structure/function; This variant is associated with the following publications: (PMID: 31589614, 36011324, 16183032, 20981092, 27013444, 9637725, 35761024, Montoya2024[Article])

First Genomix Gene Laboratory, Genetic Diagnostics Department
Classification: Likely pathogenic for Myeloperoxidase deficiency. Last evaluated: 2025-07-14. Review status: criteria provided, single submitter. Criteria: ACMG Guidelines, 2015. Collection method: clinical testing. Allele origin: germline. Inheritance: Autosomal recessive inheritance. Affected: no. Observed: 1 variant allele.

Blueprint Genetics
Classification: Uncertain significance. Last evaluated: 2024-11-21. Review status: criteria provided, single submitter. Criteria: ACMG Guidelines, 2015. Collection method: clinical testing. Allele origin: germline.

Department of Pathology and Laboratory Medicine, Sinai Health System
Classification: Uncertain significance for Alzheimer disease type 1; Myeloperoxidase deficiency. Last evaluated: 2023-02-22. Review status: criteria provided, single submitter. Criteria: ACMG Guidelines, 2015. Collection method: research. Allele origin: germline.

OMIM
Classification: Pathogenic for MYELOPEROXIDASE DEFICIENCY. Last evaluated: 1998-06-15. Review status: no assertion criteria provided. Collection method: literature only. Allele origin: germline. Not counted in ClinVar's aggregate classification.

Genome Diagnostics Laboratory, University Medical Center Utrecht
Classification: Pathogenic. Review status: no assertion criteria provided. Collection method: clinical testing. Allele origin: germline. Affected: yes. Study: VKGL Data-share Consensus. Not counted in ClinVar's aggregate classification.

Joint Genome Diagnostic Labs from Nijmegen and Maastricht, Radboudumc and MUMC+
Classification: Pathogenic. Review status: no assertion criteria provided. Collection method: clinical testing. Allele origin: germline. Affected: yes. Study: VKGL Data-share Consensus. Not counted in ClinVar's aggregate classification.

Literature cited by the submitters: PubMed 9637725 (cited by OMIM).